The following is an entry in ClinVar:

ClinVar aggregate classification (germline): Uncertain significance (1 of 4 stars; one submission).

Submission:

CeGaT Center for Human Genetics Tuebingen
Classification: Uncertain significance. Last evaluated: 2024-11-01. Review status: criteria provided, single submitter. Criteria: CeGaT Center For Human Genetics Tuebingen Variant Classification Criteria Version 2. Collection method: clinical testing. Allele origin: germline. Affected: yes. Observed: 1 variant allele.
Comment: RAI1: PM2, BP4

NM_030665.4(RAI1):c.1376T>A (p.Val459Glu)

Gene: RAI1 (retinoic acid induced 1; plus strand). Cytogenetic location: 17p11.2.
Variant type: single nucleotide variant.
Coding change: c.1376T>A on transcript NM_030665.4 (MANE Select); coding-DNA position 1376, T replaced by A.
Protein change: p.Val459Glu; replaces valine 459 with glutamic acid.
Molecular consequence: missense variant.
Genome position (GRCh38, 1-based): chr17:17,794,324, T>A. VCF-style: chr17-17794324-T-A. GRCh37 (hg19) VCF-style: chr17-17697638-T-A.
Other names: short protein forms V459E.
Identifiers: ClinVar variation 3390137 (VCV003390137.14).